The following is an entry in ClinVar:

NM_019108.4(SMG9):c.1340-5T>C

Gene: SMG9 (SMG9 nonsense mediated mRNA decay factor; minus strand). Cytogenetic location: 19q13.31.
Variant type: single nucleotide variant.
Coding change: c.1340-5T>C on transcript NM_019108.4 (MANE Select); 5 bases into the intron before coding-DNA position 1340, T replaced by C.
Molecular consequence: intron variant.
Genome position (GRCh38, 1-based): chr19:43,733,007, A>G on the plus strand (T>C on the coding strand, the complement: SMG9 is on the minus strand). VCF-style: chr19-43733007-A-G. GRCh37 (hg19) VCF-style: chr19-44237159-A-G.
Identifiers: ClinVar variation 3446344 (VCV003446344.1).

ClinVar aggregate classification (germline): Uncertain significance (1 of 4 stars; one submission).

Conditions:
Inborn genetic diseases. Identifiers: MedGen C0950123, MeSH D030342.

gnomAD v4.1: 8 of 1,606,678 alleles (0.0005%); highest among the groups gnomAD compares: African/African-American, 0.0013%; no homozygotes.

Submission:

Ambry Genetics
Classification: Uncertain significance for Inborn genetic diseases. Last evaluated: 2024-07-01. Review status: criteria provided, single submitter. Criteria: Ambry Variant Classification Scheme 2023. Collection method: clinical testing. Allele origin: germline.
Comment: The c.1340-5T>C intronic alteration consists of a T to C substitution 5 nucleotides before coding exon 12 in the SMG9 gene. Based on insufficient or conflicting evidence, the clinical significance of this alteration remains unclear.